The following is an entry in ClinVar:

ClinVar aggregate classification (germline): Uncertain significance (1 of 4 stars; one submission).

Conditions:
Ehlers-Danlos syndrome, type 4 (EDSVASC). Also called: Ehlers-Danlos syndrome vascular type; Ehlers Danlos syndrome, ecchymotic type; Ehlers Danlos syndrome, arterial type; Ehlers Danlos syndrome, Sack-Barabas type; Ehlers-Danlos Syndrome Type IV. Identifiers: Orphanet 286, MedGen C0268338, MONDO:0017314, OMIM 130050.

gnomAD v4.1: 1 of 1,551,806 alleles (0.000064%); highest among the groups gnomAD compares: Non-Finnish European, 0.000087%; no homozygotes.

Submission:

Labcorp Genetics (formerly Invitae), Labcorp
Classification: Uncertain significance for Ehlers-Danlos syndrome, type 4. Last evaluated: 2025-12-14. Review status: criteria provided, single submitter. Criteria: Invitae Variant Classification Sherloc (09022015). Collection method: clinical testing. Allele origin: germline.
Comment: This sequence change replaces glutamic acid, which is acidic and polar, with lysine, which is basic and polar, at codon 832 of the COL3A1 protein (p.Glu832Lys). This variant is present in population databases (no rsID available, gnomAD 0.002%). This variant has not been reported in the literature in individuals affected with COL3A1-related conditions. Invitae Evidence Modeling of protein sequence and biophysical properties (such as structural, functional, and spatial information, amino acid conservation, physicochemical variation, residue mobility, and thermodynamic stability) indicates that this missense variant is not expected to disrupt COL3A1 protein function with a negative predictive value of 95%. In summary, the available evidence is currently insufficient to determine the role of this variant in disease. Therefore, it has been classified as a Variant of Uncertain Significance.

NM_000090.4(COL3A1):c.2494G>A (p.Glu832Lys)

Gene: COL3A1 (collagen type III alpha 1 chain; plus strand). Cytogenetic location: 2q32.2.
Variant type: single nucleotide variant.
Coding change: c.2494G>A on transcript NM_000090.4 (MANE Select); coding-DNA position 2494, G replaced by A.
Protein change: p.Glu832Lys; replaces glutamic acid 832 with lysine.
Molecular consequence: missense variant.
Genome position (GRCh38, 1-based): chr2:189,003,003, G>A. VCF-style: chr2-189003003-G-A. GRCh37 (hg19) VCF-style: chr2-189867729-G-A.
Other names: short protein forms E832K.
Identifiers: ClinVar variation 4699245 (VCV004699245.1).